The following is an entry in ClinVar:

ClinVar aggregate classification (germline): Uncertain significance (1 of 4 stars; one submission).

Conditions:
Creatine transporter deficiency (CCDS1). Also called: Mental retardation , X-linked with seizures, short stature and midface hypoplasia; Mental retardation , X-linked, with creatine transport deficiency; X-linked creatine transporter deficiency; X-linked creatine deficiency syndrome; SLC6A8-Related Creatine Transporter Deficiency; CREATINE TRANSPORTER DEFECT. Identifiers: Orphanet 52503, MedGen C1845862, MONDO:0010305, OMIM 300352.

Submission:

Labcorp Genetics (formerly Invitae), Labcorp
Classification: Uncertain significance for Creatine transporter deficiency. Last evaluated: 2024-12-12. Review status: criteria provided, single submitter. Criteria: Invitae Variant Classification Sherloc (09022015). Collection method: clinical testing. Allele origin: germline.
Comment: This sequence change replaces glycine, which is neutral and non-polar, with aspartic acid, which is acidic and polar, at codon 428 of the SLC6A8 protein (p.Gly428Asp). This variant is not present in population databases (gnomAD no frequency). This variant has not been reported in the literature in individuals affected with SLC6A8-related conditions. Invitae Evidence Modeling of protein sequence and biophysical properties (such as structural, functional, and spatial information, amino acid conservation, physicochemical variation, residue mobility, and thermodynamic stability) indicates that this missense variant is expected to disrupt SLC6A8 protein function with a positive predictive value of 95%. In summary, the available evidence is currently insufficient to determine the role of this variant in disease. Therefore, it has been classified as a Variant of Uncertain Significance.

NM_005629.4(SLC6A8):c.1283G>A (p.Gly428Asp)

Gene: SLC6A8 (solute carrier family 6 member 8; plus strand). Cytogenetic location: Xq28.
Variant type: single nucleotide variant.
Coding change: c.1283G>A on transcript NM_005629.4 (MANE Select); coding-DNA position 1283, G replaced by A.
Protein change: p.Gly428Asp; replaces glycine 428 with aspartic acid.
Molecular consequence: missense variant.
Genome position (GRCh38, 1-based): chrX:153,694,158, G>A. VCF-style: chrX-153694158-G-A. GRCh37 (hg19) VCF-style: chrX-152959613-G-A.
Other names: c.1253G>A, p.Gly418Asp (NM_001142805.2); c.938G>A, p.Gly313Asp (NM_001142806.1); short protein forms G428D, G313D, G418D.
Identifiers: ClinVar variation 3720620 (VCV003720620.2).
Genomic context (GRCh38, chrX:153,694,158, plus strand): 5'-GCGGGGCTCGGCCTGAGCTGCCCTGGCCACAGTTTGTAGGTGTGGAGGGCTTCATCACCG[G>A]CCTCCTCGACCTCCTCCCGGCCTCCTACTACTTCCGTTTCCAAAGGGAGATCTCTGTGGC-3'
Protein context (NP_005620.1, residues 418-438): QFVGVEGFIT[Gly428Asp]LLDLLPASYY